The following is an entry in ClinVar:

ClinVar aggregate classification (germline): Uncertain significance (1 of 4 stars; one submission).

Allele frequency attached by ClinVar (database versions not stated): gnomAD 0.00001; TOPMed 0.00002.
gnomAD v4.1: 2 of 1,613,752 alleles (0.00012%); highest among the groups gnomAD compares: Admixed American, 0.0017%; no homozygotes.

Submission:

Labcorp Genetics (formerly Invitae), Labcorp
Classification: Uncertain significance. Last evaluated: 2022-06-03. Review status: criteria provided, single submitter. Criteria: Invitae Variant Classification Sherloc (09022015). Collection method: clinical testing. Allele origin: germline.
Comment: In summary, the available evidence is currently insufficient to determine the role of this variant in disease. Therefore, it has been classified as a Variant of Uncertain Significance. Algorithms developed to predict the effect of missense changes on protein structure and function are either unavailable or do not agree on the potential impact of this missense change (SIFT: "Deleterious"; PolyPhen-2: "Probably Damaging"; Align-GVGD: "Class C0"). This variant has not been reported in the literature in individuals affected with CENPJ-related conditions. This variant is not present in population databases (gnomAD no frequency). This sequence change replaces glutamic acid, which is acidic and polar, with lysine, which is basic and polar, at codon 1299 of the CENPJ protein (p.Glu1299Lys).

NM_018451.5(CPAP):c.3895G>A (p.Glu1299Lys)

Genes: CPAP (centrosome assembly and centriole elongation protein; minus strand), RNF17 (ring finger protein 17; plus strand). Cytogenetic location: 13q12.12.
Variant type: single nucleotide variant.
Coding change: c.3895G>A on transcript NM_018451.5 (MANE Select); coding-DNA position 3895, G replaced by A.
Protein change: p.Glu1299Lys; replaces glutamic acid 1299 with lysine.
Molecular consequence: missense variant. On other transcripts: non-coding transcript variant (2).
Genome position (GRCh38, 1-based): chr13:24,883,299, C>T on the plus strand (G>A on the coding strand, the complement: CPAP is on the minus strand). VCF-style: chr13-24883299-C-T. GRCh37 (hg19) VCF-style: chr13-25457437-C-T.
Other names: short protein forms E1299K.
Identifiers: ClinVar variation 2166510 (VCV002166510.4), dbSNP rs1953916659, ClinGen allele CA387594695.
Genomic context (GRCh38, chr13:24,883,299, plus strand): 5'-TGTACTTCGTTTCTTGATGACCGTTTGCATATACGGTTTTAACAGTGCCATCTGGGTATT[C>T]CCGTCTCTTGAACTGGGCAGTATGTAGTTCTCTTTGGCCATTATTAAACTCTATGAGTTT-3'
Protein context (NP_060921.3, residues 1289-1309): ELHTAQFKRR[Glu1299Lys]YPDGTVKTVY